The following is an entry in ClinVar:

ClinVar aggregate classification (germline): Uncertain significance. Review status: criteria provided, multiple submitters, no conflicts (2 of 4 stars). 2 submissions from 2 submitters: Uncertain significance (2). Last evaluated 2025-06-12.

Conditions:
Inborn genetic diseases. Identifiers: MedGen C0950123, MeSH D030342.
Joubert syndrome 8 (JBTS8). Identifiers: Orphanet 475, MedGen C2676771, MONDO:0012855, OMIM 612291.

gnomAD v4.1: 2 of 1,614,008 alleles (0.00012%); highest among the groups gnomAD compares: Non-Finnish European, 0.000085%; no homozygotes.

Submissions (2):

Labcorp Genetics (formerly Invitae), Labcorp
Classification: Uncertain significance for Joubert syndrome 8. Last evaluated: 2025-06-12. Review status: criteria provided, single submitter. Criteria: Invitae Variant Classification Sherloc (09022015). Collection method: clinical testing. Allele origin: germline.
Comment: This sequence change replaces aspartic acid, which is acidic and polar, with tyrosine, which is neutral and polar, at codon 241 of the ARL13B protein (p.Asp241Tyr). This variant is present in population databases (rs757984271, gnomAD 0.0009%). This variant has not been reported in the literature in individuals affected with ARL13B-related conditions. ClinVar contains an entry for this variant (Variation ID: 2003252). Invitae Evidence Modeling of protein sequence and biophysical properties (such as structural, functional, and spatial information, amino acid conservation, physicochemical variation, residue mobility, and thermodynamic stability) indicates that this missense variant is not expected to disrupt ARL13B protein function with a negative predictive value of 80%. In summary, the available evidence is currently insufficient to determine the role of this variant in disease. Therefore, it has been classified as a Variant of Uncertain Significance.

Ambry Genetics
Classification: Uncertain significance for Inborn genetic diseases. Last evaluated: 2023-05-08. Review status: criteria provided, single submitter. Criteria: Ambry Variant Classification Scheme 2023. Collection method: clinical testing. Allele origin: germline.

NM_001174150.2(ARL13B):c.721G>T (p.Asp241Tyr)

Gene: ARL13B (ARF like GTPase 13B; plus strand). Cytogenetic location: 3q11.2.
Variant type: single nucleotide variant.
Coding change: c.721G>T on transcript NM_001174150.2 (MANE Select); coding-DNA position 721, G replaced by T.
Protein change: p.Asp241Tyr; replaces aspartic acid 241 with tyrosine.
Molecular consequence: missense variant. On other transcripts: non-coding transcript variant (2).
Genome position (GRCh38, 1-based): chr3:94,039,911, G>T. VCF-style: chr3-94039911-G-T. GRCh37 (hg19) VCF-style: chr3-93758755-G-T.
Other names: c.721G>T, p.Asp241Tyr (NM_182896.3, NM_001410782.1); c.721G>T (NM_182896.2); c.412G>T, p.Asp138Tyr (NM_001174151.2); c.676G>T, p.Asp226Tyr (NM_001321328.2); c.400G>T, p.Asp134Tyr (NM_144996.4); short protein forms D241Y, D226Y, D134Y, D138Y.
Identifiers: ClinVar variation 2003252 (VCV002003252.6), dbSNP rs757984271, ClinGen allele CA2504147.